The following is an entry in ClinVar:

NM_000090.4(COL3A1):c.2206A>G (p.Ser736Gly)

Gene: COL3A1 (collagen type III alpha 1 chain; plus strand). Cytogenetic location: 2q32.2.
Variant type: single nucleotide variant.
Coding change: c.2206A>G on transcript NM_000090.4 (MANE Select); coding-DNA position 2206, A replaced by G.
Protein change: p.Ser736Gly; replaces serine 736 with glycine.
Molecular consequence: missense variant.
Genome position (GRCh38, 1-based): chr2:188,999,554, A>G. VCF-style: chr2-188999554-A-G. GRCh37 (hg19) VCF-style: chr2-189864280-A-G.
Other names: short protein forms S736G.
Identifiers: ClinVar variation 3894247 (VCV003894247.1).

ClinVar aggregate classification (germline): Uncertain significance (1 of 4 stars; one submission).

Conditions:
Familial thoracic aortic aneurysm and aortic dissection (TAAD). Also called: Thoracic aortic aneurysms and dissections. Identifiers: Orphanet 91387, MedGen C4707243, MONDO:0019625.

Submission:

Color Diagnostics, LLC DBA Color Health
Classification: Uncertain significance for Familial thoracic aortic aneurysm and aortic dissection. Last evaluated: 2025-02-16. Review status: criteria provided, single submitter. Criteria: ACMG Guidelines, 2015. Collection method: clinical testing. Allele origin: germline.
Comment: This missense variant replaces serine with glycine at codon 736 of the COL3A1 protein. Computational prediction suggests that this variant may not impact protein structure and function (internally defined REVEL score threshold <= 0.5, PMID: 27666373). To our knowledge, functional studies have not been reported for this variant. This variant has not been reported in individuals affected with COL3A1-related disorders in the literature. This variant has not been identified in the general population by the Genome Aggregation Database (gnomAD). The available evidence is insufficient to determine the role of this variant in disease conclusively. Therefore, this variant is classified as a Variant of Uncertain Significance.